The following is an entry in ClinVar:

NM_000532.5(PCCB):c.613G>A (p.Val205Ile)

Gene: PCCB (propionyl-CoA carboxylase subunit beta; plus strand). Cytogenetic location: 3q22.3.
Variant type: single nucleotide variant.
Coding change: c.613G>A on transcript NM_000532.5 (MANE Select); coding-DNA position 613, G replaced by A.
Protein change: p.Val205Ile; replaces valine 205 with isoleucine.
Molecular consequence: missense variant.
Genome position (GRCh38, 1-based): chr3:136,283,906, G>A. VCF-style: chr3-136283906-G-A. GRCh37 (hg19) VCF-style: chr3-136002748-G-A.
Other names: c.673G>A, p.Val225Ile (NM_001178014.2); short protein forms V205I, V225I.
Identifiers: ClinVar variation 972656 (VCV000972656.7), dbSNP rs141956198, ClinGen allele CA2631798.

ClinVar aggregate classification (germline): Uncertain significance. Review status: criteria provided, single submitter (1 of 4 stars). 2 submissions from 2 submitters: Uncertain significance (1). 1 of the submissions does not count toward it. Last evaluated 2022-08-01.

Conditions:
Propionic acidemia (PROP). Also called: GLYCINEMIA, KETOTIC; HYPERGLYCINEMIA WITH KETOACIDOSIS AND LEUKOPENIA; KETOTIC HYPERGLYCINEMIA. Identifiers: Orphanet 35, MedGen C0268579, MONDO:0011628, OMIM 606054, HP:0003571.

Allele frequency attached by ClinVar (database versions not stated): gnomAD 0.00004 and 0.00005; TOPMed 0.00004; gnomAD exomes 0.00006 and 0.00007; ExAC 0.00007; ESP Exome Variant Server 0.00015; 1000 Genomes Project 30x 0.00016; 1000 Genomes Project 0.00020.

Submissions (2):

Labcorp Genetics (formerly Invitae), Labcorp
Classification: Uncertain significance for Propionic acidemia. Last evaluated: 2022-08-01. Review status: criteria provided, single submitter. Criteria: Invitae Variant Classification Sherloc (09022015). Collection method: clinical testing. Allele origin: germline.
Comment: This sequence change replaces valine, which is neutral and non-polar, with isoleucine, which is neutral and non-polar, at codon 205 of the PCCB protein (p.Val205Ile). This variant is present in population databases (rs141956198, gnomAD 0.01%). This variant has not been reported in the literature in individuals affected with PCCB-related conditions. ClinVar contains an entry for this variant (Variation ID: 972656). Advanced modeling of protein sequence and biophysical properties (such as structural, functional, and spatial information, amino acid conservation, physicochemical variation, residue mobility, and thermodynamic stability) performed at Invitae indicates that this missense variant is expected to disrupt PCCB protein function. This variant disrupts the p.Val205 amino acid residue in PCCB. Other variant(s) that disrupt this residue have been observed in individuals with PCCB-related conditions (PMID: 12007220, 22033733), which suggests that this may be a clinically significant amino acid residue. In summary, the available evidence is currently insufficient to determine the role of this variant in disease. Therefore, it has been classified as a Variant of Uncertain Significance.

Natera, Inc.
Classification: Uncertain significance for Propionic acidemia. Last evaluated: 2020-02-21. Review status: no assertion criteria provided. Collection method: clinical testing. Allele origin: germline. Not counted in ClinVar's aggregate classification.

Literature cited by the submitters: PubMed 12007220 (cited by Labcorp Genetics (formerly Invitae), Labcorp); PubMed 22033733 (cited by Labcorp Genetics (formerly Invitae), Labcorp).